The following is an entry in ClinVar:

NM_031935.3(HMCN1):c.9286A>G (p.Asn3096Asp)

Gene: HMCN1 (hemicentin 1; plus strand). Cytogenetic location: 1q31.1.
Variant type: single nucleotide variant.
Coding change: c.9286A>G on transcript NM_031935.3 (MANE Select); coding-DNA position 9286, A replaced by G.
Protein change: p.Asn3096Asp; replaces asparagine 3096 with aspartic acid.
Molecular consequence: missense variant.
Genome position (GRCh38, 1-based): chr1:186,087,568, A>G. VCF-style: chr1-186087568-A-G. GRCh37 (hg19) VCF-style: chr1-186056700-A-G.
Other names: short protein forms N3096D.
Identifiers: ClinVar variation 2745306 (VCV002745306.3), dbSNP rs2527894512, ClinGen allele CA343920017.

ClinVar aggregate classification (germline): Uncertain significance (1 of 4 stars; one submission).

Submission:

Labcorp Genetics (formerly Invitae), Labcorp
Classification: Uncertain significance. Last evaluated: 2023-07-19. Review status: criteria provided, single submitter. Criteria: Invitae Variant Classification Sherloc (09022015). Collection method: clinical testing. Allele origin: germline.
Comment: This sequence change replaces asparagine, which is neutral and polar, with aspartic acid, which is acidic and polar, at codon 3096 of the HMCN1 protein (p.Asn3096Asp). In summary, the available evidence is currently insufficient to determine the role of this variant in disease. Therefore, it has been classified as a Variant of Uncertain Significance. An algorithm developed to predict the effect of missense changes on protein structure and function (PolyPhen-2) suggests that this variant is likely to be disruptive. This variant has not been reported in the literature in individuals affected with HMCN1-related conditions. This variant is not present in population databases (gnomAD no frequency).